The following is an entry in ClinVar:

ClinVar aggregate classification (germline): Uncertain significance (1 of 4 stars; one submission).

Conditions:
Acute myeloid leukemia (AML). Also called: Leukemia, acute myeloid, somatic; Leukemia, acute myelogenous, somatic; Acute myeloid leukemia, adult; AML adult; Acute non-lymphocytic leukemia; Acute granulocytic leukemia. Identifiers: Orphanet 519, MedGen C0023467, MeSH D015470, MONDO:0018874, OMIM 601626, HP:0004808. Disease mechanism: Constitutively activated FLT3.

Submission:

Labcorp Genetics (formerly Invitae), Labcorp
Classification: Uncertain significance for Acute myeloid leukemia. Last evaluated: 2021-07-20. Review status: criteria provided, single submitter. Criteria: Invitae Variant Classification Sherloc (09022015). Collection method: clinical testing. Allele origin: germline.
Comment: In summary, the available evidence is currently insufficient to determine the role of this variant in disease. Therefore, it has been classified as a Variant of Uncertain Significance. This sequence change replaces alanine with glutamic acid at codon 152 of the CEBPA protein (p.Ala152Glu). The alanine residue is weakly conserved and there is a moderate physicochemical difference between alanine and glutamic acid. The frequency data for this variant in the population databases is considered unreliable, as metrics indicate insufficient coverage at this position in the ExAC database. This variant has not been reported in the literature in individuals with CEBPA-related conditions. Algorithms developed to predict the effect of missense changes on protein structure and function (SIFT, PolyPhen-2, Align-GVGD) all suggest that this variant is likely to be tolerated, but these predictions have not been confirmed by published functional studies and their clinical significance is uncertain.

NM_004364.5(CEBPA):c.455C>A (p.Ala152Glu)

Gene: CEBPA (CCAAT enhancer binding protein alpha; minus strand). Cytogenetic location: 19q13.11.
Variant type: single nucleotide variant.
Coding change: c.455C>A on transcript NM_004364.5 (MANE Select); coding-DNA position 455, C replaced by A.
Protein change: p.Ala152Glu; replaces alanine 152 with glutamic acid.
Molecular consequence: missense variant.
Genome position (GRCh38, 1-based): chr19:33,301,960, G>T on the plus strand (C>A on the coding strand, the complement: CEBPA is on the minus strand). VCF-style: chr19-33301960-G-T. GRCh37 (hg19) VCF-style: chr19-33792866-G-T.
Other names: c.560C>A, p.Ala187Glu (NM_001287424.2); c.413C>A, p.Ala138Glu (NM_001287435.2); c.98C>A, p.Ala33Glu (NM_001285829.2); short protein forms A138E, A187E, A152E, A33E.
Identifiers: ClinVar variation 1376248 (VCV001376248.8), dbSNP rs1967183790, ClinGen allele CA405274916.
Genomic context (GRCh38, chr19:33,301,960, plus strand): 5'-TGCTTGGCTTCATCCTCCTCGCGGGGCTCCTGCTTGATCACCAGCGGCCGCAGCGCCGGC[G>T]CCCCGACGCGCTCGTACAGGGGCTCCAGCCTGCCGTCCAGGTAGCCGGCGGCCGCGCAGC-3'
Protein context (NP_004355.2, residues 142-162): RLEPLYERVG[Ala152Glu]PALRPLVIKQ